The following is an entry in ClinVar:

NM_183075.3(CYP2U1):c.1301A>G (p.Tyr434Cys)

Gene: CYP2U1 (cytochrome P450 family 2 subfamily U member 1; plus strand). Cytogenetic location: 4q25.
Variant type: single nucleotide variant.
Coding change: c.1301A>G on transcript NM_183075.3 (MANE Select); coding-DNA position 1301, A replaced by G.
Protein change: p.Tyr434Cys; replaces tyrosine 434 with cysteine.
Molecular consequence: missense variant.
Genome position (GRCh38, 1-based): chr4:107,949,362, A>G. VCF-style: chr4-107949362-A-G. GRCh37 (hg19) VCF-style: chr4-108870518-A-G.
Other names: short protein forms Y434C.
Identifiers: ClinVar variation 2176881 (VCV002176881.4), dbSNP rs1230125501, ClinGen allele CA357838936.
Genomic context (GRCh38, chr4:107,949,362, plus strand): 5'-CTAGTAAAAGCATACTGAATAACACCCATATGTTTCCTTTTGTTTTAGTGCTCCAAGGGT[A>G]TACCATTCCTAAAGGCACATTGATCTTACCCAACCTGTGGTCAGTACATAGAGACCCAGC-3'
Protein context (NP_898898.1, residues 424-444): MTSENTVLQG[Tyr434Cys]TIPKGTLILP

ClinVar aggregate classification (germline): Uncertain significance (1 of 4 stars; one submission).

Conditions:
Spastic paraplegia. Identifiers: MedGen C0037772, HP:0001258.

Allele frequency attached by ClinVar (database versions not stated): gnomAD 0.00001; TOPMed 0.00001.

Submission:

Labcorp Genetics (formerly Invitae), Labcorp
Classification: Uncertain significance for Spastic paraplegia. Last evaluated: 2022-10-13. Review status: criteria provided, single submitter. Criteria: Invitae Variant Classification Sherloc (09022015). Collection method: clinical testing. Allele origin: germline.
Comment: In summary, the available evidence is currently insufficient to determine the role of this variant in disease. Therefore, it has been classified as a Variant of Uncertain Significance. Algorithms developed to predict the effect of missense changes on protein structure and function (SIFT, PolyPhen-2, Align-GVGD) all suggest that this variant is likely to be disruptive. This variant has not been reported in the literature in individuals affected with CYP2U1-related conditions. The frequency data for this variant in the population databases is considered unreliable, as metrics indicate poor data quality at this position in the gnomAD database. This sequence change replaces tyrosine, which is neutral and polar, with cysteine, which is neutral and slightly polar, at codon 434 of the CYP2U1 protein (p.Tyr434Cys).